The following is an entry in ClinVar:

ClinVar aggregate classification (germline): Uncertain significance (1 of 4 stars; one submission).

Conditions:
Dyskeratosis congenita, autosomal dominant 2. Identifiers: MedGen C3151443, MONDO:0013521, OMIM 613989.
Idiopathic Pulmonary Fibrosis. Also called: Idiopathic fibrosing alveolitis, chronic form; idiopathic fibrosing alveolitis. Identifiers: Orphanet 2032, MedGen C1800706, MeSH D054990, MONDO:0800504.

Submission:

Labcorp Genetics (formerly Invitae), Labcorp
Classification: Uncertain significance for Dyskeratosis congenita, autosomal dominant 2; Idiopathic Pulmonary Fibrosis. Last evaluated: 2021-08-19. Review status: criteria provided, single submitter. Criteria: Invitae Variant Classification Sherloc (09022015). Collection method: clinical testing. Allele origin: germline.
Comment: This sequence change replaces proline with serine at codon 66 of the TERT protein (p.Pro66Ser). The proline residue is moderately conserved and there is a moderate physicochemical difference between proline and serine. The frequency data for this variant in the population databases is considered unreliable, as metrics indicate insufficient coverage at this position in the ExAC database. This variant has not been reported in the literature in individuals affected with TERT-related conditions. Advanced modeling of protein sequence and biophysical properties (such as structural, functional, and spatial information, amino acid conservation, physicochemical variation, residue mobility, and thermodynamic stability) performed at Invitae indicates that this missense variant is expected to disrupt TERT protein function. In summary, the available evidence is currently insufficient to determine the role of this variant in disease. Therefore, it has been classified as a Variant of Uncertain Significance.

NM_198253.3(TERT):c.196C>T (p.Pro66Ser)

Genes: TERT (telomerase reverse transcriptase; minus strand), LOC110806263 (TERT 5' regulatory region; plus strand). Cytogenetic location: 5p15.33.
Variant type: single nucleotide variant.
Coding change: c.196C>T on transcript NM_198253.3 (MANE Select); coding-DNA position 196, C replaced by T.
Protein change: p.Pro66Ser; replaces proline 66 with serine.
Molecular consequence: missense variant. On other transcripts: non-coding transcript variant (2).
Genome position (GRCh38, 1-based): chr5:1,294,794, G>A on the plus strand (C>T on the coding strand, the complement: TERT is on the minus strand). VCF-style: chr5-1294794-G-A. GRCh37 (hg19) VCF-style: chr5-1294909-G-A.
Other names: c.196C>T, p.Pro66Ser (NM_001193376.3); short protein forms P66S.
Identifiers: ClinVar variation 1507996 (VCV001507996.6), dbSNP rs2126691433, ClinGen allele CA359058840.